The following is an entry in ClinVar:

ClinVar aggregate classification (germline): Uncertain significance (1 of 4 stars; one submission).

Submission:

Labcorp Genetics (formerly Invitae), Labcorp
Classification: Uncertain significance. Last evaluated: 2025-03-21. Review status: criteria provided, single submitter. Criteria: Invitae Variant Classification Sherloc (09022015). Collection method: clinical testing. Allele origin: germline.
Comment: This sequence change falls in intron 12 of the MSH3 gene. It does not directly change the encoded amino acid sequence of the MSH3 protein. This variant is not present in population databases (gnomAD no frequency). This variant has not been reported in the literature in individuals affected with MSH3-related conditions. Experimental studies and prediction algorithms are not available or were not evaluated, and the effect of this variant on mRNA splicing is currently unknown. In summary, the available evidence is currently insufficient to determine the role of this variant in disease. Therefore, it has been classified as a Variant of Uncertain Significance.

NM_002439.5(MSH3):c.1764-31_1767dup

Gene: MSH3 (mutS homolog 3; plus strand). Cytogenetic location: 5q14.1.
Variant type: Duplication.
Coding change: c.1764-31_1767dup on transcript NM_002439.5 (MANE Select); 31 bases into the intron before coding-DNA position 1764 through coding-DNA position 1767, 35 bases duplicated.
Molecular consequence: splice acceptor variant.
Genome position (GRCh38, 1-based): chr5:80,761,515-80,761,549, 35 bases duplicated; duplicating any 35 consecutive bases within chr5:80,761,514-80,761,549 gives the same sequence; the c. name uses the placement nearest the transcript's 3' end. GRCh37 (hg19): chr5:80,057,334-80,057,368.
Identifiers: ClinVar variation 4809238 (VCV004809238.1).